The following is an entry in ClinVar:

ClinVar aggregate classification (germline): Uncertain significance (1 of 4 stars; one submission).

Conditions:
Holocarboxylase synthetase deficiency. Also called: MULTIPLE CARBOXYLASE DEFICIENCY, EARLY ONSET. Identifiers: Orphanet 79242, MedGen C0268581, MONDO:0009666, OMIM 253270.

Submission:

Labcorp Genetics (formerly Invitae), Labcorp
Classification: Uncertain significance for Holocarboxylase synthetase deficiency. Last evaluated: 2024-02-16. Review status: criteria provided, single submitter. Criteria: Invitae Variant Classification Sherloc (09022015). Collection method: clinical testing. Allele origin: germline.
Comment: This sequence change replaces histidine, which is basic and polar, with arginine, which is basic and polar, at codon 6 of the HLCS protein (p.His6Arg). This variant is present in population databases (no rsID available, gnomAD 0.007%). This variant has not been reported in the literature in individuals affected with HLCS-related conditions. ClinVar contains an entry for this variant (Variation ID: 2012584). Advanced modeling of protein sequence and biophysical properties (such as structural, functional, and spatial information, amino acid conservation, physicochemical variation, residue mobility, and thermodynamic stability) performed at Invitae indicates that this missense variant is not expected to disrupt HLCS protein function with a negative predictive value of 95%. In summary, the available evidence is currently insufficient to determine the role of this variant in disease. Therefore, it has been classified as a Variant of Uncertain Significance.

NM_001352514.2(HLCS):c.458A>G (p.His153Arg)

Gene: HLCS (holocarboxylase synthetase; minus strand). Cytogenetic location: 21q22.13.
Variant type: single nucleotide variant.
Coding change: c.458A>G on transcript NM_001352514.2 (MANE Select); coding-DNA position 458, A replaced by G.
Protein change: p.His153Arg; replaces histidine 153 with arginine.
Molecular consequence: missense variant. On other transcripts: non-coding transcript variant (2).
Genome position (GRCh38, 1-based): chr21:36,938,867, T>C on the plus strand (A>G on the coding strand, the complement: HLCS is on the minus strand). VCF-style: chr21-36938867-T-C. GRCh37 (hg19) VCF-style: chr21-38311167-T-C.
Other names: c.17A>G, p.His6Arg (NM_000411.8, NM_001242784.3, NM_001242785.2 and 4 more transcripts); short protein forms H6R, H153R.
Identifiers: ClinVar variation 2012584 (VCV002012584.3), dbSNP rs1158584556, ClinGen allele CA409914579.